The following is an entry in ClinVar:

NM_004415.4(DSP):c.5874G>C (p.Glu1958Asp)

Gene: DSP (desmoplakin; plus strand). Cytogenetic location: 6p24.3.
Variant type: single nucleotide variant.
Coding change: c.5874G>C on transcript NM_004415.4 (MANE Select); coding-DNA position 5874, G replaced by C.
Protein change: p.Glu1958Asp; replaces glutamic acid 1958 with aspartic acid.
Molecular consequence: missense variant.
Genome position (GRCh38, 1-based): chr6:7,583,136, G>C. VCF-style: chr6-7583136-G-C. GRCh37 (hg19) VCF-style: chr6-7583369-G-C.
Other names: c.4077G>C, p.Glu1359Asp (NM_001008844.3); c.4545G>C, p.Glu1515Asp (NM_001319034.2); short protein forms E1515D, E1958D, E1359D.
Identifiers: ClinVar variation 2117623 (VCV002117623.6), dbSNP rs2533938071, ClinGen allele CA362689601.
Genomic context (GRCh38, chr6:7,583,136, plus strand): 5'-GATTGATAAACTCAGACAGCGCCCATATGGGTCCCATCGAGAGACCCAGACTGAGTGTGA[G>C]TGGACCGTTGACACCTCCAAGCTGGTGTTTGATGGGCTGAGGAAGAAGGTGACAGCAATG-3'
Protein context (NP_004406.2, residues 1948-1968): GSHRETQTEC[Glu1958Asp]WTVDTSKLVF

ClinVar aggregate classification (germline): Uncertain significance. Review status: criteria provided, multiple submitters, no conflicts (2 of 4 stars). 2 submissions from 2 submitters: Uncertain significance (2). Last evaluated 2026-09-11.

Conditions:
Arrhythmogenic cardiomyopathy with wooly hair and keratoderma. Also called: Arrhythmogenic cardiomyopathy with woolly hair and keratoderma; PALMOPLANTAR KERATODERMA WITH LEFT VENTRICULAR CARDIOMYOPATHY AND WOOLLY HAIR; Carvajal syndrome; Dilated cardiomyopathy with woolly hair and keratoderma. Identifiers: Orphanet 65282, MedGen C1854063, MONDO:0011581, OMIM 605676.
Arrhythmogenic right ventricular dysplasia 8 (ARVD8). Also called: Arrhythmogenic Right Ventricular Dysplasia/Cardiomyopathy 8; ARRHYTHMOGENIC RIGHT VENTRICULAR DYSPLASIA, FAMILIAL, 8; ARRHYTHMOGENIC RIGHT VENTRICULAR CARDIOMYOPATHY 8. Identifiers: MedGen C1843896, MONDO:0011831, OMIM 607450.
Cardiovascular phenotype. Identifiers: MedGen CN230736.

Submissions (2):

Ambry Genetics
Classification: Uncertain significance for Cardiovascular phenotype. Last evaluated: 2026-09-11. Review status: criteria provided, single submitter. Criteria: Ambry Variant Classification Scheme 2023. Collection method: clinical testing. Allele origin: germline.
Comment: The p.E1958D variant (also known as c.5874G>C), located in coding exon 24 of the DSP gene, results from a G to C substitution at nucleotide position 5874. The glutamic acid at codon 1958 is replaced by aspartic acid, an amino acid with highly similar properties. This amino acid position is conserved. In addition, this alteration is predicted to be tolerated by in silico analysis. Based on the available evidence, the clinical significance of this variant remains unclear.

Labcorp Genetics (formerly Invitae), Labcorp
Classification: Uncertain significance for Arrhythmogenic cardiomyopathy with wooly hair and keratoderma; Arrhythmogenic right ventricular dysplasia 8. Last evaluated: 2022-07-17. Review status: criteria provided, single submitter. Criteria: Invitae Variant Classification Sherloc (09022015). Collection method: clinical testing. Allele origin: germline.
Comment: This variant is not present in population databases (gnomAD no frequency). In summary, the available evidence is currently insufficient to determine the role of this variant in disease. Therefore, it has been classified as a Variant of Uncertain Significance. Algorithms developed to predict the effect of missense changes on protein structure and function (SIFT, PolyPhen-2, Align-GVGD) all suggest that this variant is likely to be tolerated. This variant has not been reported in the literature in individuals affected with DSP-related conditions. This sequence change replaces glutamic acid, which is acidic and polar, with aspartic acid, which is acidic and polar, at codon 1958 of the DSP protein (p.Glu1958Asp).